The following is an entry in ClinVar:

NM_000091.5(COL4A3):c.1662_1663del (p.Asp555fs)

Genes: COL4A3 (collagen type IV alpha 3 chain; plus strand), MFF-DT (MFF divergent transcript; minus strand). Cytogenetic location: 2q36.3.
Variant type: Deletion.
Coding change: c.1662_1663del on transcript NM_000091.5 (MANE Select); coding-DNA positions 1662 to 1663, 2 bases deleted (TG; older notation c.1662_1663delTG).
Protein change: p.Asp555fs; shifts the reading frame from aspartic acid 555.
Molecular consequence: frameshift variant.
Genome position (GRCh38, 1-based): chr2:227,270,856-227,270,857, TG deleted; deleting any 2 consecutive bases within chr2:227,270,855-227,270,857 gives the same sequence; the c. name uses the placement nearest the transcript's 3' end. VCF-style (leftmost placement, unchanged base first): chr2-227270854-GGT-G. GRCh37 (hg19) VCF-style: chr2-228135570-GGT-G.
Other names: short protein forms D555fs.
Identifiers: ClinVar variation 1725522 (VCV001725522.2), dbSNP rs2469684210, ClinGen allele CA2580065976.

ClinVar aggregate classification (germline): Likely pathogenic (1 of 4 stars; one submission).

Conditions:
Autosomal recessive Alport syndrome (ATS2). Also called: COL4A3-Related Nephropathy; COL4A4 Alport Syndrome and Thin Basement Membrane Nephropathy; ALPORT SYNDROME 2, AUTOSOMAL RECESSIVE; Alport syndrome type 2. Identifiers: Orphanet 63, Orphanet 88919, MedGen C4746745, MONDO:0008762, OMIM 203780.

Submission:

Myriad Genetics, Inc.
Classification: Likely pathogenic for Autosomal recessive Alport syndrome. Last evaluated: 2022-03-29. Review status: criteria provided, single submitter. Criteria: Myriad Women's Health Autosomal Recessive and X-Linked Classification Criteria (2021). Collection method: clinical testing. Allele origin: unknown.
Comment: NM_000091.4(COL4A3):c.1662_1663delTG(D555Pfs*28) is expected to be pathogenic in the context of COL4A3-related Alport syndrome. This variant is predicted to lead to an abnormal or absent protein product due to the creation of a premature termination codon in COL4A3, a gene where loss-of-function variants are known to be pathogenic. Please note: this variant was assessed in the context of healthy population screening.